The following is an entry in ClinVar:

NM_002185.5(IL7R):c.801-2A>G

Gene: IL7R (interleukin 7 receptor; plus strand). Cytogenetic location: 5p13.2.
Variant type: single nucleotide variant.
Coding change: c.801-2A>G on transcript NM_002185.5 (MANE Select); the canonical splice acceptor site of the intron before coding-DNA position 801, A replaced by G.
Molecular consequence: splice acceptor variant.
Genome position (GRCh38, 1-based): chr5:35,875,510, A>G. VCF-style: chr5-35875510-A-G. GRCh37 (hg19) VCF-style: chr5-35875612-A-G.
Other names: c.707-2A>G (NM_001410734.1).
Identifiers: ClinVar variation 3671502 (VCV003671502.2).

ClinVar aggregate classification (germline): Likely pathogenic (1 of 4 stars; one submission).

Conditions:
Immunodeficiency 104. Also called: SCID, AUTOSOMAL RECESSIVE, T CELL-NEGATIVE, B CELL-POSITIVE, NK CELL-POSITIVE; Severe combined immunodeficiency, autosomal recessive, T cell-negative, B cell-positive, NK cell-positive; IMMUNODEFICIENCY 104, SEVERE COMBINED; Severe Combined Immune Deficiency, Autosomal Recessive, TCell -Negative, B Cell-Positive, NK Cell-Positive, IL7R-Related. Identifiers: MedGen C5676890, MONDO:0012163, OMIM 608971.

Submission:

Labcorp Genetics (formerly Invitae), Labcorp
Classification: Likely pathogenic for Immunodeficiency 104. Last evaluated: 2024-08-08. Review status: criteria provided, single submitter. Criteria: Invitae Variant Classification Sherloc (09022015). Collection method: clinical testing. Allele origin: germline.
Comment: This sequence change affects an acceptor splice site in intron 6 of the IL7R gene. It is expected to disrupt RNA splicing. Variants that disrupt the donor or acceptor splice site typically lead to a loss of protein function (PMID: 16199547), and loss-of-function variants in IL7R are known to be pathogenic (PMID: 21664875, 26123418). This variant is not present in population databases (gnomAD no frequency). This variant has not been reported in the literature in individuals affected with IL7R-related conditions. Algorithms developed to predict the effect of sequence changes on RNA splicing suggest that this variant may disrupt the consensus splice site. In summary, the currently available evidence indicates that the variant is pathogenic, but additional data are needed to prove that conclusively. Therefore, this variant has been classified as Likely Pathogenic.

Literature cited by the submitters: PubMed 16199547; PubMed 21664875; PubMed 26123418.